The following is an entry in ClinVar:

ClinVar aggregate classification (germline): Pathogenic. Review status: criteria provided, single submitter (1 of 4 stars). 2 submissions from 2 submitters: Pathogenic (1). 1 of the submissions does not count toward it. Last evaluated 2025-07-03.

Conditions:
CEP135-related disorder. Also called: CEP135-related condition.

Allele frequency attached by ClinVar (database versions not stated): ExAC 0.00005; ESP Exome Variant Server 0.00008; gnomAD exomes 0.00001; gnomAD 0.00003; TOPMed 0.00003.

Submissions (2):

Labcorp Genetics (formerly Invitae), Labcorp
Classification: Pathogenic. Last evaluated: 2025-07-03. Review status: criteria provided, single submitter. Criteria: Invitae Variant Classification Sherloc (09022015). Collection method: clinical testing. Allele origin: germline.
Comment: This sequence change creates a premature translational stop signal (p.Arg243*) in the CEP135 gene. It is expected to result in an absent or disrupted protein product. Loss-of-function variants in CEP135 are known to be pathogenic (PMID: 22521416, 26657937). This variant is present in population databases (rs200221082, gnomAD 0.04%). This variant has not been reported in the literature in individuals affected with CEP135-related conditions. ClinVar contains an entry for this variant (Variation ID: 2894595). Algorithms developed to predict the effect of sequence changes on RNA splicing suggest that this variant may disrupt the consensus splice site. For these reasons, this variant has been classified as Pathogenic.

PreventionGenetics, part of Exact Sciences
Classification: Likely pathogenic for CEP135-related condition. Last evaluated: 2024-06-10. Review status: no assertion criteria provided. Collection method: clinical testing. Allele origin: germline. Not counted in ClinVar's aggregate classification.
Comment: The CEP135 c.727C>T variant is predicted to result in premature protein termination (p.Arg243*). This variant was reported in a cohort of individuals with cardiovascular disease (Glicksberg et al 2019. PubMed ID: 31345219). This variant is reported in 0.040% of alleles in individuals of Ashkenazi Jewish descent in gnomAD. Nonsense variants in CEP135 are expected to be pathogenic. This variant is interpreted as likely pathogenic.

Literature cited by the submitters: PubMed 22521416 (cited by Labcorp Genetics (formerly Invitae), Labcorp); PubMed 26657937 (cited by Labcorp Genetics (formerly Invitae), Labcorp).

NM_025009.5(CEP135):c.727C>T (p.Arg243Ter)

Gene: CEP135 (centrosomal protein 135; plus strand). Cytogenetic location: 4q12.
Variant type: single nucleotide variant.
Coding change: c.727C>T on transcript NM_025009.5 (MANE Select); coding-DNA position 727, C replaced by T.
Protein change: p.Arg243Ter; replaces arginine 243 with a stop codon.
Molecular consequence: nonsense.
Genome position (GRCh38, 1-based): chr4:55,964,301, C>T. VCF-style: chr4-55964301-C-T. GRCh37 (hg19) VCF-style: chr4-56830467-C-T.
Other names: short protein forms R243*.
Identifiers: ClinVar variation 2894595 (VCV002894595.4), dbSNP rs200221082, ClinGen allele CA2927658.